The following is an entry in ClinVar:

NM_199355.4(ADAMTS18):c.262C>T (p.Arg88Ter)

Gene: ADAMTS18 (ADAM metallopeptidase with thrombospondin type 1 motif 18; minus strand). Cytogenetic location: 16q23.1.
Variant type: single nucleotide variant.
Coding change: c.262C>T on transcript NM_199355.4 (MANE Select); coding-DNA position 262, C replaced by T.
Protein change: p.Arg88Ter; replaces arginine 88 with a stop codon.
Molecular consequence: nonsense. On other transcripts: 5 prime UTR variant (1).
Genome position (GRCh38, 1-based): chr16:77,431,528, G>A on the plus strand (C>T on the coding strand, the complement: ADAMTS18 is on the minus strand). VCF-style: chr16-77431528-G-A. GRCh37 (hg19) VCF-style: chr16-77465425-G-A.
Other names: c.-259C>T (NM_001326358.2); short protein forms R88*.
Identifiers: ClinVar variation 1936348 (VCV001936348.6), dbSNP rs191773926, ClinGen allele CA8181727.

ClinVar aggregate classification (germline): Pathogenic. Review status: criteria provided, multiple submitters, no conflicts (2 of 4 stars). 2 submissions from 2 submitters: Pathogenic (2). Last evaluated 2022-01-19.

Conditions:
Microcornea-myopic chorioretinal atrophy. Also called: Microcornea, myopic chorioretinal atrophy, and telecanthus. Identifiers: Orphanet 369970, MedGen C3809567, MONDO:0014195, OMIM 615458.

Submissions (2):

Labcorp Genetics (formerly Invitae), Labcorp
Classification: Pathogenic. Last evaluated: 2022-01-19. Review status: criteria provided, single submitter. Criteria: Invitae Variant Classification Sherloc (09022015). Collection method: clinical testing. Allele origin: germline.
Comment: For these reasons, this variant has been classified as Pathogenic. This variant has not been reported in the literature in individuals affected with ADAMTS18-related conditions. This variant is present in population databases (rs191773926, gnomAD 0.002%). This sequence change creates a premature translational stop signal (p.Arg88*) in the ADAMTS18 gene. It is expected to result in an absent or disrupted protein product. Loss-of-function variants in ADAMTS18 are known to be pathogenic (PMID: 23818446, 24874986).

Juno Genomics, Hangzhou Juno Genomics, Inc
Classification: Pathogenic for Microcornea-myopic chorioretinal atrophy. Review status: criteria provided, single submitter. Criteria: ACMG Guidelines, 2015. Collection method: clinical testing. Allele origin: germline. Affected: yes.
Comment: Absent from controls (or at extremely low frequency if recessive) in Genome Aggregation Database, Exome Sequencing Project, 1000 Genomes Project, or Exome Aggregation Consortium.;Null variant in a gene where loss of function (LOF) is a known mechanism of disease.;Patient's phenotype or family history is highly specific for a disease with a single genetic etiology.

Literature cited by the submitters: PubMed 23818446 (cited by Labcorp Genetics (formerly Invitae), Labcorp); PubMed 24874986 (cited by Labcorp Genetics (formerly Invitae), Labcorp).